The following is an entry in ClinVar:

ClinVar aggregate classification (germline): Likely benign. Review status: criteria provided, multiple submitters, no conflicts (2 of 4 stars). 2 submissions from 2 submitters: Likely benign (2). Last evaluated 2024-09-20.

Conditions:
ADNP-related multiple congenital anomalies - intellectual disability - autism spectrum disorder. Also called: ADNP-Related Helsmoortel-Van der Aa Syndrome; Helsmoortel-Van der Aa Syndrome. Identifiers: Orphanet 404448, MedGen C4014538, MONDO:0014379, OMIM 615873. Disease mechanism: loss of function.

Allele frequency attached by ClinVar (database versions not stated): TOPMed below 0.00001.

Submissions (2):

3billion
Classification: Likely benign for ADNP-related multiple congenital anomalies - intellectual disability - autism spectrum disorder. Last evaluated: 2024-09-20. Review status: criteria provided, single submitter. Criteria: ACMG Guidelines, 2015. Collection method: clinical testing. Allele origin: germline. Affected: no.
Comment: The variant was identified in at least one patient who was diagnosed with a different variant in another gene and showed no symptoms related to the gene containing the variant in question.

Labcorp Genetics (formerly Invitae), Labcorp
Classification: Likely benign. Last evaluated: 2024-03-11. Review status: criteria provided, single submitter. Criteria: Invitae Variant Classification Sherloc (09022015). Collection method: clinical testing. Allele origin: germline.

NM_001282531.3(ADNP):c.246C>T (p.Ser82=)

Gene: ADNP (activity dependent neuroprotector homeobox; minus strand). Cytogenetic location: 20q13.13.
Variant type: single nucleotide variant.
Coding change: c.246C>T on transcript NM_001282531.3 (MANE Select); coding-DNA position 246, C replaced by T.
Protein change: p.Ser82=; no amino-acid change (serine 82 retained).
Molecular consequence: synonymous variant.
Genome position (GRCh38, 1-based): chr20:50,894,468, G>A on the plus strand (C>T on the coding strand, the complement: ADNP is on the minus strand). VCF-style: chr20-50894468-G-A. GRCh37 (hg19) VCF-style: chr20-49511005-G-A.
Other names: c.246C>T, p.Ser82= (NM_001282532.2, NM_001347511.2, NM_015339.5 and 1 more transcripts).
Identifiers: ClinVar variation 2898379 (VCV002898379.4), dbSNP rs1981178618, ClinGen allele CA510881550.